The following is an entry in ClinVar:

ClinVar aggregate classification (germline): Uncertain significance. Review status: criteria provided, multiple submitters, no conflicts (2 of 4 stars). 4 submissions from 4 submitters: Uncertain significance (4). Last evaluated 2024-12-15.

Conditions:
Inborn genetic diseases. Identifiers: MedGen C0950123, MeSH D030342.
Charcot-Marie-Tooth disease type 4. Also called: Charcot-Marie-Tooth disease, type IV; Charcot-Marie-Tooth, Type 4. Identifiers: Orphanet 64749, MedGen C4082197, MONDO:0018995.

Allele frequency attached by ClinVar (database versions not stated): ExAC 0.00001; gnomAD exomes 0.00001 and 0.00005.
gnomAD v4.1: 71 of 1,614,198 alleles (0.0044%); highest among the groups gnomAD compares: Non-Finnish European, 0.0058%; no homozygotes.

Submissions (4):

Ambry Genetics
Classification: Uncertain significance for Inborn genetic diseases. Last evaluated: 2024-12-15. Review status: criteria provided, single submitter. Criteria: Ambry Variant Classification Scheme 2023. Collection method: clinical testing. Allele origin: germline.

Labcorp Genetics (formerly Invitae), Labcorp
Classification: Uncertain significance for Charcot-Marie-Tooth disease type 4. Last evaluated: 2021-12-03. Review status: criteria provided, single submitter. Criteria: Invitae Variant Classification Sherloc (09022015). Collection method: clinical testing. Allele origin: germline.
Comment: This sequence change replaces methionine, which is neutral and non-polar, with valine, which is neutral and non-polar, at codon 243 of the NDRG1 protein (p.Met243Val). This variant is present in population databases (rs767505621, gnomAD 0.004%). This variant has not been reported in the literature in individuals affected with NDRG1-related conditions. Algorithms developed to predict the effect of missense changes on protein structure and function output the following: SIFT: "Tolerated"; PolyPhen-2: "Benign"; Align-GVGD: "Class C0". The valine amino acid residue is found in multiple mammalian species, which suggests that this missense change does not adversely affect protein function. In summary, the available evidence is currently insufficient to determine the role of this variant in disease. Therefore, it has been classified as a Variant of Uncertain Significance.

Mayo Clinic Laboratories, Mayo Clinic
Classification: Uncertain significance. Last evaluated: 2021-09-29. Review status: criteria provided, single submitter. Criteria: ACMG Guidelines, 2015. Collection method: clinical testing. Allele origin: germline.

Blueprint Genetics
Classification: Uncertain significance. Last evaluated: 2019-10-09. Review status: criteria provided, single submitter. Criteria: ACMG Guidelines, 2015. Collection method: clinical testing. Allele origin: germline.

NM_006096.4(NDRG1):c.727A>G (p.Met243Val)

Genes: NDRG1 (N-myc downstream regulated 1; minus strand), LOC126860531 (CDK7 strongly-dependent group 2 enhancer GRCh37_chr8:134259869-134261068; plus strand). Cytogenetic location: 8q24.22.
Variant type: single nucleotide variant.
Coding change: c.727A>G on transcript NM_006096.4 (MANE Select); coding-DNA position 727, A replaced by G.
Protein change: p.Met243Val; replaces methionine 243 with valine.
Molecular consequence: missense variant.
Genome position (GRCh38, 1-based): chr8:133,248,743, T>C on the plus strand (A>G on the coding strand, the complement: NDRG1 is on the minus strand). VCF-style: chr8-133248743-T-C. GRCh37 (hg19) VCF-style: chr8-134260986-T-C.
Other names: p.Met243Val; c.727A>G, p.Met243Val (NM_001135242.2, NM_001374845.1, NM_001374846.1); c.529A>G, p.Met177Val (NM_001258432.2, NM_001374847.1); c.484A>G, p.Met162Val (NM_001258433.2); c.778A>G, p.Met260Val (NM_001374844.1); short protein forms M162V, M177V, M243V, M260V.
Identifiers: ClinVar variation 1693991 (VCV001693991.8), dbSNP rs767505621, ClinGen allele CA4886623.
Genomic context (GRCh38, chr8:133,248,743, plus strand): 5'-TGCAAGTGCTGGGGGAGAGAAAAGCCACTCACTGCAGGGTGACTGTGTGGGTTCCCGGCA[T>C]TGGTCGCTCAATCTCCAGGTCGCGCCGGCTGCAGGAAACAAATGCATCATTAGCATGAGG-3'
Protein context (NP_006087.2, residues 233-253): SRRDLEIERP[Met243Val]PGTHTVTLQC